The following is an entry in ClinVar:

NM_000448.3(RAG1):c.1148_1149del (p.Lys383fs)

Gene: RAG1 (recombination activating 1; plus strand). Cytogenetic location: 11p12.
Variant type: Deletion.
Coding change: c.1148_1149del on transcript NM_000448.3 (MANE Select); coding-DNA positions 1148 to 1149, 2 bases deleted (AA; older notation c.1148_1149delAA).
Protein change: p.Lys383fs; shifts the reading frame from lysine 383.
Molecular consequence: frameshift variant.
Genome position (GRCh38, 1-based): chr11:36,574,452-36,574,453, AA deleted; deleting any 2 consecutive bases within chr11:36,574,450-36,574,453 gives the same sequence; the c. name uses the placement nearest the transcript's 3' end. VCF-style (leftmost placement, unchanged base first): chr11-36574449-CAA-C. GRCh37 (hg19) VCF-style: chr11-36595999-CAA-C.
Other names: RAG1; c.1146_1147del (NM_000448.3); c.1148_1149del, p.Lys383fs (NM_001377277.1, NM_001377278.1, NM_001377279.1 and 1 more transcripts); short protein forms K383fs.
Identifiers: ClinVar variation 2137054 (VCV002137054.5), dbSNP rs2494754724, ClinGen allele CA2580084096.

ClinVar aggregate classification (germline): Pathogenic. Review status: criteria provided, multiple submitters, no conflicts (2 of 4 stars). 2 submissions from 2 submitters: Pathogenic (2). Last evaluated 2025-09-21.

Conditions:
Combined immunodeficiency with skin granulomas. Identifiers: Orphanet 157949, MedGen C2673536, MONDO:0009306, OMIM 233650.
Severe combined immunodeficiency, autosomal recessive, T cell-negative, B cell-negative, NK cell-positive. Also called: Severe combined immunodeficiency due to complete RAG1/2 deficiency; SCID, T CELL-NEGATIVE, B CELL-NEGATIVE, NK CELL-POSITIVE; SCID, AR, T-cell negative, B-cell negative, NK cell-positive. Identifiers: Orphanet 331206, MedGen C1832322, MONDO:0011086, OMIM 601457.

Submissions (2):

Department of Medical Immunology, Beni Messous University Hospital Center
Classification: Pathogenic for Combined immunodeficiency with skin granulomas. Last evaluated: 2025-09-21. Review status: criteria provided, single submitter. Criteria: ACMG Guidelines, 2015. Collection method: clinical testing. Allele origin: germline. Inheritance: Autosomal recessive inheritance. Affected: yes. Observed: 1 variant allele, 1 homozygote.
Comment: RAG1 NM_000448.3 c.1146_1147del (p.Lys383ArgfsTer7) is a homozygous frameshift deletion in exon 2 removing 2 nucleotides at the junction between the N-terminal non-core region and the start of the RAG1 core catalytic domain, that shifts the reading frame from codon 383 onward and introduces a premature stop 7 residues later, truncating the protein before nearly the entire catalytic core (including the zinc-binding domains and active-site residues) can be translated; it is absent from gnomAD (frequency 0) and unreported in ClinVar/HGMD, and unlike missense variants, standard in silico predictors (CADD, REVEL, SIFT, PolyPhen-2, MutAssessor, PROVEAN, GERP, InterVar) are largely not applicable to frameshift changes, with only MutationTaster returning a score ("Disease causing"); nonetheless, because this is a clear loss-of-function variant in a gene where LOF is an established disease mechanism, it triggers PVS1 (the strongest single pathogenic criterion under ACMG/AMP guidelines), which combined with its absence from population databases (PM2) and the homozygous state is sufficient to classify it as Pathogenic.

Labcorp Genetics (formerly Invitae), Labcorp
Classification: Pathogenic for Combined immunodeficiency with skin granulomas; Severe combined immunodeficiency, autosomal recessive, T cell-negative, B cell-negative, NK cell-positive. Last evaluated: 2022-02-12. Review status: criteria provided, single submitter. Criteria: Invitae Variant Classification Sherloc (09022015). Collection method: clinical testing. Allele origin: germline.
Comment: For these reasons, this variant has been classified as Pathogenic. This variant disrupts a region of the RAG1 protein in which other variant(s) (p.W959*) have been determined to be pathogenic (PMID: 11133745, 24290284, 24406074). This suggests that this is a clinically significant region of the protein, and that variants that disrupt it are likely to be disease-causing. This premature translational stop signal has been observed in individual(s) with Omenn syndrome (PMID: 24290284). This variant is not present in population databases (gnomAD no frequency). This sequence change creates a premature translational stop signal (p.Lys383Argfs*7) in the RAG1 gene. While this is not anticipated to result in nonsense mediated decay, it is expected to disrupt the last 661 amino acid(s) of the RAG1 protein.

Literature cited by the submitters: DOI 10.70962/jhi.20260168 (cited by Department of Medical Immunology, Beni Messous University Hospital Center); PubMed 11133745 (cited by Labcorp Genetics (formerly Invitae), Labcorp); PubMed 24290284 (cited by Labcorp Genetics (formerly Invitae), Labcorp); PubMed 24406074 (cited by Labcorp Genetics (formerly Invitae), Labcorp).